The following is an entry in ClinVar:

ClinVar aggregate classification (germline): Pathogenic (1 of 4 stars; one submission).

Conditions:
Inborn genetic diseases. Identifiers: MedGen C0950123, MeSH D030342.

Submission:

Ambry Genetics
Classification: Pathogenic for Inborn genetic diseases. Last evaluated: 2025-09-24. Review status: criteria provided, single submitter. Criteria: Ambry Variant Classification Scheme 2023. Collection method: clinical testing. Allele origin: germline.
Comment: The c.528_529delTT (p.Y177*) alteration, located in exon 5 (coding exon 3) of the ADNP gene, consists of a deletion of 2 nucleotides from position 528 to 529, causing a translational frameshift with a predicted alternated stop codon (p.Y177*). This variant is not expected to trigger nonsense-mediated mRNA decay, and impacts the last 84% of the protein. Premature stop codons are typically deleterious in nature, the impacted region is critical for protein function, and a significant portion of the protein is affected (Ambry internal data). This variant was not reported in population-based cohorts in the Genome Aggregation Database (gnomAD). Based on the available evidence, this alteration is classified as pathogenic.

NM_001282531.3(ADNP):c.528_529del (p.Leu176_Tyr177insTer)

Gene: ADNP (activity dependent neuroprotector homeobox; minus strand). Cytogenetic location: 20q13.13.
Variant type: Deletion.
Coding change: c.528_529del on transcript NM_001282531.3 (MANE Select); coding-DNA positions 528 to 529, 2 bases deleted (TT; older notation c.528_529delTT).
Protein change: p.Leu176_Tyr177insTer.
Molecular consequence: frameshift variant. On other transcripts: 5 prime UTR variant (1).
Genome position (GRCh38, 1-based): chr20:50,894,185-50,894,186, AA deleted on the plus strand (TT on the coding strand, the reverse complement: ADNP is on the minus strand); deleting any 2 consecutive bases within chr20:50,894,185-50,894,187 gives the same sequence; the c. name uses the placement nearest the transcript's 3' end. VCF-style (leftmost placement, unchanged base first): chr20-50894184-TAA-T. GRCh37 (hg19) VCF-style: chr20-49510721-TAA-T.
Other names: c.528_529del, p.Leu176_Tyr177insTer (NM_015339.5, NM_181442.4, NM_001282532.2 and 1 more transcripts); c.744_745del, p.Leu248_Tyr249insTer (NM_001439000.1); c.-157_-156del (NM_001439001.1).
Identifiers: ClinVar variation 4570890 (VCV004570890.1).
Genomic context (GRCh38, chr20:50,894,184, plus strand): 5'-ATGTAAGGTGCTGCCACATGCTGAAAATGTTCCCTGTAAATGTGCTTCCTAACTATTTCA[TAA>T]AGAGGATCTCGGTAAGTGCACTTCTTACAGTAATAAACAGCTTGCTCTACACTGTCAGCC-3'